The following is an entry in ClinVar:

NM_001257096.2(PAX1):c.116G>A (p.Arg39His)

Gene: PAX1 (paired box 1; plus strand). Cytogenetic location: 20p11.22.
Variant type: single nucleotide variant.
Coding change: c.116G>A on transcript NM_001257096.2 (MANE Select); coding-DNA position 116, G replaced by A.
Protein change: p.Arg39His; replaces arginine 39 with histidine.
Molecular consequence: missense variant.
Genome position (GRCh38, 1-based): chr20:21,705,828, G>A. VCF-style: chr20-21705828-G-A. GRCh37 (hg19) VCF-style: chr20-21686466-G-A.
Other names: c.116G>A, p.Arg39His (NM_006192.5); short protein forms R39H.
Identifiers: ClinVar variation 1445903 (VCV001445903.6), dbSNP rs1205073129, ClinGen allele CA408496897.

ClinVar aggregate classification (germline): Uncertain significance (1 of 4 stars; one submission).

Allele frequency attached by ClinVar (database versions not stated): TOPMed below 0.00001.
gnomAD v4.1: 2 of 1,348,774 alleles (0.00015%); highest among the groups gnomAD compares: East Asian, 0.0065%; no homozygotes.

Submission:

Labcorp Genetics (formerly Invitae), Labcorp
Classification: Uncertain significance. Last evaluated: 2022-07-19. Review status: criteria provided, single submitter. Criteria: Invitae Variant Classification Sherloc (09022015). Collection method: clinical testing. Allele origin: germline.
Comment: ClinVar contains an entry for this variant (Variation ID: 1445903). This variant has not been reported in the literature in individuals affected with PAX1-related conditions. This variant is not present in population databases (gnomAD no frequency). This sequence change replaces arginine, which is basic and polar, with histidine, which is basic and polar, at codon 39 of the PAX1 protein (p.Arg39His). Algorithms developed to predict the effect of missense changes on protein structure and function output the following: SIFT: "Deleterious"; PolyPhen-2: "Benign"; Align-GVGD: "Class C0". The histidine amino acid residue is found in multiple mammalian species, which suggests that this missense change does not adversely affect protein function. In summary, the available evidence is currently insufficient to determine the role of this variant in disease. Therefore, it has been classified as a Variant of Uncertain Significance.